The following is an entry in ClinVar:

NM_000059.4(BRCA2):c.4220A>T (p.Glu1407Val)

Gene: BRCA2 (BRCA2 DNA repair associated; plus strand). Cytogenetic location: 13q13.1.
Variant type: single nucleotide variant.
Coding change: c.4220A>T on transcript NM_000059.4 (MANE Select); coding-DNA position 4220, A replaced by T.
Protein change: p.Glu1407Val; replaces glutamic acid 1407 with valine.
Molecular consequence: missense variant.
Genome position (GRCh38, 1-based): chr13:32,338,575, A>T. VCF-style: chr13-32338575-A-T. GRCh37 (hg19) VCF-style: chr13-32912712-A-T.
Other names: short protein forms E1407V.
Identifiers: ClinVar variation 1433224 (VCV001433224.9), dbSNP rs1593901726, ClinGen allele CA387780304.

ClinVar aggregate classification (germline): Conflicting classifications of pathogenicity. Review status: criteria provided, conflicting classifications (1 of 4 stars). 2 submissions from 2 submitters: Uncertain significance (1); Likely benign (1). Last evaluated 2023-03-23.

Conditions:
Hereditary cancer-predisposing syndrome. Also called: Hereditary Cancer Syndrome; Hereditary neoplastic syndrome; Neoplastic Syndromes, Hereditary; Tumor predisposition. Identifiers: Orphanet 140162, MedGen C0027672, MeSH D009386, MONDO:0015356.
Hereditary breast ovarian cancer syndrome. Also called: Hereditary breast and ovarian cancer syndrome (HBOC); Breast and ovarian cancer; BRCA1- and BRCA2-Associated Hereditary Breast and Ovarian Cancer; Hereditary breast and/or ovarian cancer syndrome; Hereditary breast and ovarian cancer; Hereditary breast and ovarian cancer syndrome. Identifiers: Orphanet 145, MedGen C0677776, MeSH D061325, MONDO:0003582. Disease mechanism: loss of function.

Submissions (2):

University of Washington Department of Laboratory Medicine, University of Washington
Classification: Likely benign for Hereditary cancer-predisposing syndrome. Last evaluated: 2023-03-23. Review status: criteria provided, single submitter. Criteria: Dines et al. (Genet Med. 2020). Collection method: curation. Allele origin: germline.
Comment: Missense variant in a coldspot region where missense variants are very unlikely to be pathogenic (PMID:31911673).

BRCA2 exon 11 coldspot. Reclassification based on statistical prior probability.

Labcorp Genetics (formerly Invitae), Labcorp
Classification: Uncertain significance for Hereditary breast ovarian cancer syndrome. Last evaluated: 2021-06-14. Review status: criteria provided, single submitter. Criteria: Invitae Variant Classification Sherloc (09022015). Collection method: clinical testing. Allele origin: germline.
Comment: In summary, the available evidence is currently insufficient to determine the role of this variant in disease. Therefore, it has been classified as a Variant of Uncertain Significance. Advanced modeling of protein sequence and biophysical properties (such as structural, functional, and spatial information, amino acid conservation, physicochemical variation, residue mobility, and thermodynamic stability) performed at Invitae indicates that this missense variant is not expected to disrupt BRCA2 protein function. This variant has not been reported in the literature in individuals with BRCA2-related conditions. This variant is not present in population databases (ExAC no frequency). This sequence change replaces glutamic acid with valine at codon 1407 of the BRCA2 protein (p.Glu1407Val). The glutamic acid residue is moderately conserved and there is a moderate physicochemical difference between glutamic acid and valine.